The following is an entry in ClinVar:

NM_015335.5(MED13L):c.2956C>T (p.Pro986Ser)

Gene: MED13L (mediator complex subunit 13L; minus strand). Cytogenetic location: 12q24.21.
Variant type: single nucleotide variant.
Coding change: c.2956C>T on transcript NM_015335.5 (MANE Select); coding-DNA position 2956, C replaced by T.
Protein change: p.Pro986Ser; replaces proline 986 with serine.
Molecular consequence: missense variant.
Genome position (GRCh38, 1-based): chr12:115,996,516, G>A on the plus strand (C>T on the coding strand, the complement: MED13L is on the minus strand). VCF-style: chr12-115996516-G-A. GRCh37 (hg19) VCF-style: chr12-116434321-G-A.
Other names: short protein forms P986S.
Identifiers: ClinVar variation 3615909 (VCV003615909.2).

ClinVar aggregate classification (germline): Uncertain significance (1 of 4 stars; one submission).

Conditions:
Dextro-looped transposition of the great arteries. Also called: Dextrotransposition of the great arteries. Identifiers: Orphanet 860, MedGen C3531771, MONDO:0019443, OMIM 608808, HP:0031348.

Submission:

Labcorp Genetics (formerly Invitae), Labcorp
Classification: Uncertain significance for Dextro-looped transposition of the great arteries. Last evaluated: 2024-07-03. Review status: criteria provided, single submitter. Criteria: Invitae Variant Classification Sherloc (09022015). Collection method: clinical testing. Allele origin: germline.
Comment: This sequence change replaces proline, which is neutral and non-polar, with serine, which is neutral and polar, at codon 986 of the MED13L protein (p.Pro986Ser). This variant is not present in population databases (gnomAD no frequency). This variant has not been reported in the literature in individuals affected with MED13L-related conditions. Advanced modeling of protein sequence and biophysical properties (such as structural, functional, and spatial information, amino acid conservation, physicochemical variation, residue mobility, and thermodynamic stability) performed at Invitae indicates that this missense variant is not expected to disrupt MED13L protein function with a negative predictive value of 80%. In summary, the available evidence is currently insufficient to determine the role of this variant in disease. Therefore, it has been classified as a Variant of Uncertain Significance.